The following continues an entry in ClinVar:

NM_000179.3(MSH6):c.2230dup (p.Glu744fs)

Gene: MSH6. ClinVar aggregate classification (germline): Pathogenic/Likely pathogenic. Pathogenic (12); Likely pathogenic (2).

Submissions 11 to 16 of 16:

ARUP Laboratories, Molecular Genetics and Genomics, ARUP Laboratories
Classification: Likely pathogenic. Last evaluated: 2023-06-15. Review status: criteria provided, single submitter. Criteria: ARUP Molecular Germline Variant Investigation Process 2024. Collection method: clinical testing. Allele origin: germline.
Comment: The MSH6 c.2230dup; p.Glu744GlyfsTer12 variant (rs786201050) is reported in the literature in several individuals affected with Lynch syndrome-associated cancers (Brand 2018, Chan 2018, DeRycke 2017, Espenschied 2017, Lilyquist 2017, Ward 2013). This variant is reported in ClinVar (Variation ID: 183739) and is only observed on two alleles in the Genome Aggregation Database, indicating it is not a common polymorphism. This variant causes a frameshift by inserting a single nucleotide, so it is predicted to result in a truncated protein or mRNA subject to nonsense-mediated decay. Based on available information, this variant is considered to be likely pathogenic. References: Brand R et al. Prospective study of germline genetic testing in incident cases of pancreatic adenocarcinoma. Cancer. 2018 Sep 1;124(17):3520-3527. PMID: 30067863. Chan GHJ et al. Clinical genetic testing outcome with multi-gene panel in Asian patients with multiple primary cancers. Oncotarget. 2018 Jul 17;9(55):30649-30660. PMID: 30093976. DeRycke MS et al. Targeted sequencing of 36 known or putative colorectal cancer susceptibility genes. Mol Genet Genomic Med. 2017 Jul 23;5(5):553-569. PMID: 28944238. Espenschied CR et al. Multigene Panel Testing Provides a New Perspective on Lynch Syndrome. J Clin Oncol. 2017 Aug 1;35(22):2568-2575. PMID: 28514183. Lilyquist J et al. Frequency of mutations in a large series of clinically ascertained ovarian cancer cases tested on multi-gene panels compared to reference controls. Gynecol Oncol. 2017 Nov;147(2):375-380. PMID: 28888541. Ward RL et al. Population-based molecular screening for Lynch syndrome: implications for personalized medicine. J Clin Oncol. 2013 Jul 10;31(20):2554-62. PMID: 23733757.

Mayo Clinic Laboratories, Mayo Clinic
Classification: Pathogenic. Last evaluated: 2023-05-09. Review status: criteria provided, single submitter. Criteria: ACMG Guidelines, 2015. Collection method: clinical testing. Allele origin: germline. Observed: 1 variant allele.
Comment: PP5, PM2, PS4_moderate, PVS1

Quest Diagnostics Nichols Institute San Juan Capistrano
Classification: Pathogenic. Last evaluated: 2019-06-24. Review status: criteria provided, single submitter. Criteria: Quest Diagnostics criteria. Collection method: clinical testing. Allele origin: unknown.
Comment: This frameshift variant causes the premature termination of MSH6 protein synthesis. In addition, this variant has been reported in the literature in individuals with personal and family history of colorectal cancer (PMID: 28944238 (2017), 23733757 (2013)). Based on the available information, this variant is classified as pathogenic.

Illumina Laboratory Services, Illumina
Classification: Likely pathogenic for Lynch syndrome 5. Last evaluated: 2018-05-04. Review status: criteria provided, single submitter. Criteria: ICSL Variant Classification Criteria 09 May 2019. Collection method: clinical testing. Allele origin: germline.
Comment: The MSH6 c.2230dupG (p.Glu744GlyfsTer12) variant, also reported as c.2228_2229insG, results in a frameshift, and is predicted to result in premature termination of the protein. The p.Glu744GlyfsTer12 variant has been reported in two studies and is found in a compound heterozygous state in two probands with colorectal cancer (Ward et al. 2013; DeRycke et al. 2017). The variant is reported at a frequency of 0.000016 in the European (non-Finnish) population from the Genome Aggregation Database but this is based on two alleles in a region of good sequence coverage so the variant is presumed to be rare. Due to the potential impact of frameshift variants and evidence from literature, the p.Glu744GlyfsTer12 variant is classified as likely pathogenic for Lynch syndrome. This variant was observed by ICSL as part of a predisposition screen in an ostensibly healthy population.

PreventionGenetics, part of Exact Sciences
Classification: Pathogenic for MSH6-related condition. Last evaluated: 2024-02-13. Review status: no assertion criteria provided. Collection method: clinical testing. Allele origin: germline. Not counted in ClinVar's aggregate classification.
Comment: The MSH6 c.2230dupG variant is predicted to result in a frameshift and premature protein termination (p.Glu744Glyfs*12). This variant has been reported in individuals with colorectal cancer, pancreatic ductal adenocarcinoma, and endometrium ovarian cancer (Ward et al 2013. PubMed ID: 23733757; Brand et al. 2018. PubMed ID: 30067863; Table 4, Chan et al. 2018. PubMed ID: 30093976). This variant is reported in 0.0016% of alleles in individuals of European (Non-Finnish) descent in gnomAD. In ClinVar, this variant is interpreted as likely pathogenic/pathogenic. Frameshift variants in MSH6 are expected to be pathogenic. This variant is interpreted as pathogenic.

Department of Pathology and Laboratory Medicine, Sinai Health System
Classification: Pathogenic for Endometrial carcinoma. Review status: no assertion criteria provided. Collection method: clinical testing. Allele origin: unknown. Affected: yes. Study: The Canadian Open Genetics Repository (COGR). Not counted in ClinVar's aggregate classification.
Comment: The MSH6 p.Glu744Glyfs*12 variant was identified in 2 of 2872 proband chromosomes (frequency: 0.0007) from individuals or families with endometrial, ovarian, or colorectal cancer (Chan 2018, Ward 2013). The variant was also identified in dbSNP (ID: rs786201050) as "With Pathogenic allele", ClinVar (classified as pathogenic by Invitae, Ambry Genetics and three other submitters), and UMD-LSDB (1x as causal). The variant was not identified in the following control databases: the Exome Aggregation Consortium (August 8th 2016) or the Genome Aggregation Database (Feb 27, 2017). The c.2230dup variant is predicted to cause a frameshift, which alters the protein's amino acid sequence beginning at codon 744 and leads to a premature stop codon at position 755. This alteration is then predicted to result in a truncated or absent protein and loss of function. Loss of function variants of the MSH6 gene are an established mechanism of disease in Lynch syndrome and is the type of variant expected to cause the disorder. In summary, based on the above information, this variant meets our laboratoryâ€šÃ„Ã´s criteria to be classified as pathogenic.

Literature cited by the submitters: PubMed 18269114 (cited by Labcorp Genetics (formerly Invitae), Labcorp); PubMed 24362816 (cited by Labcorp Genetics (formerly Invitae), Labcorp); PubMed 23733757 (cited by 8 submitters); PubMed 28514183 (cited by Ambry Genetics); PubMed 30067863 (cited by 3 submitters); PubMed 30093976 (cited by 5 submitters); PubMed 32719484 (cited by Ambry Genetics); PubMed 37088804 (cited by Ambry Genetics); PubMed 28944238 (cited by 5 submitters); PubMed 29345684 (cited by Color Diagnostics, LLC DBA Color Health and All of Us Research Program, National Institutes of Health); PubMed 30128536 (cited by Color Diagnostics, LLC DBA Color Health and All of Us Research Program, National Institutes of Health); PubMed 28888541 (cited by Mayo Clinic Laboratories, Mayo Clinic).